The following is an entry in ClinVar:

ClinVar aggregate classification (germline): Likely pathogenic (1 of 4 stars; one submission).

Conditions:
Dilated cardiomyopathy 1G (CMD1G). Identifiers: Orphanet 154, MedGen C1858763, MONDO:0011400, OMIM 604145.

Submission:

Human Genetics Bochum, Ruhr University Bochum
Classification: Likely pathogenic for Dilated cardiomyopathy 1G. Last evaluated: 2025-02-10. Review status: criteria provided, single submitter. Criteria: ACMG Guidelines, 2015. Collection method: clinical testing. Allele origin: germline. Affected: yes.
Comment: ACMG criteria used to clasify this variant: PVS1, PM2_SUP

NM_001267550.2(TTN):c.76161del (p.Ser25388fs)

Genes: TTN-AS1 (TTN antisense RNA 1; plus strand), TTN (titin; minus strand). Cytogenetic location: 2q31.2.
Variant type: Deletion.
Coding change: c.76161del on transcript NM_001267550.2 (MANE Select); coding-DNA position 76161, one base deleted (T; older notation c.76161delT).
Protein change: p.Ser25388fs; shifts the reading frame from serine 25388.
Molecular consequence: frameshift variant.
Genome position (GRCh38, 1-based): chr2:178,569,971, A deleted on the plus strand (T on the coding strand, the reverse complement: TTN is on the minus strand); the first of 2 consecutive A bases (chr2:178,569,971-178,569,972); deleting either gives the same sequence. VCF-style (leftmost placement, unchanged base first): chr2-178569970-TA-T. GRCh37 (hg19) VCF-style: chr2-179434697-TA-T.
Other names: c.71238del, p.Ser23747fs (NM_001256850.1); c.48966del, p.Ser16323fs (NM_003319.4); c.68457del, p.Ser22820fs (NM_133378.4); c.49341del, p.Ser16448fs (NM_133432.3); c.49542del, p.Ser16515fs (NM_133437.4); short protein forms S16323fs, S16448fs, S16515fs, S22820fs, S23747fs, S25388fs.
Identifiers: ClinVar variation 4687893 (VCV004687893.1).